The following is an entry in ClinVar:

NM_000441.2(SLC26A4):c.2026del (p.Leu676fs)

Gene: SLC26A4 (solute carrier family 26 member 4; plus strand). Cytogenetic location: 7q22.3.
Variant type: Deletion.
Coding change: c.2026del on transcript NM_000441.2 (MANE Select); coding-DNA position 2026, one base deleted (C; older notation c.2026delC).
Protein change: p.Leu676fs; shifts the reading frame from leucine 676.
Molecular consequence: frameshift variant.
Genome position (GRCh38, 1-based): chr7:107,702,049, C deleted. VCF-style (leftmost placement, unchanged base first): chr7-107702048-AC-A. GRCh37 (hg19) VCF-style: chr7-107342493-AC-A.
Other names: short protein forms L676fs.
Identifiers: ClinVar variation 1074192 (VCV001074192.8), dbSNP rs2129318299, ClinGen allele CA2499218639.

ClinVar aggregate classification (germline): Pathogenic/Likely pathogenic. Review status: criteria provided, multiple submitters, no conflicts (2 of 4 stars). 2 submissions from 2 submitters: Pathogenic (1); Likely pathogenic (1). Last evaluated 2022-12-18.

Conditions:
Autosomal recessive nonsyndromic hearing loss 4 (DFNB4). Also called: Deafness, autosomal recessive 4, with enlarged vestibular aqueduct; FOXI1-Related Pendred Syndrome; KCNJ10-Related Pendred Syndrome; DEAFNESS, AUTOSOMAL RECESSIVE 4, WITH ENLARGED VESTIBULAR AQUEDUCT, DIGENIC; Deafness, autosomal recessive 4; Enlarged vestibular aqueduct, digenic. Identifiers: Orphanet 90636, MedGen C3538946, MONDO:0010933, OMIM 600791.

Submissions (2):

Baylor Genetics
Classification: Likely pathogenic for Autosomal recessive nonsyndromic hearing loss 4. Last evaluated: 2022-12-18. Review status: criteria provided, single submitter. Criteria: ACMG Guidelines, 2015. Collection method: clinical testing. Allele origin: unknown.

Labcorp Genetics (formerly Invitae), Labcorp
Classification: Pathogenic. Last evaluated: 2020-07-21. Review status: criteria provided, single submitter. Criteria: Invitae Variant Classification Sherloc (09022015). Collection method: clinical testing. Allele origin: germline.
Comment: For these reasons, this variant has been classified as Pathogenic. Loss-of-function variants in SLC26A4 are known to be pathogenic (PMID: 16283880, 25394566, 26252218, 26445815). This variant has not been reported in the literature in individuals with SLC26A4-related conditions. This variant is not present in population databases (ExAC no frequency). This sequence change creates a premature translational stop signal (p.Leu676Cysfs*3) in the SLC26A4 gene. It is expected to result in an absent or disrupted protein product.

Literature cited by the submitters: PubMed 16283880 (cited by Labcorp Genetics (formerly Invitae), Labcorp); PubMed 25394566 (cited by Labcorp Genetics (formerly Invitae), Labcorp); PubMed 26252218 (cited by Labcorp Genetics (formerly Invitae), Labcorp); PubMed 26445815 (cited by Labcorp Genetics (formerly Invitae), Labcorp).